The following is an entry in ClinVar:

ClinVar aggregate classification (germline): Uncertain significance (1 of 4 stars; one submission).

Conditions:
Hypertrophic cardiomyopathy. Also called: HYPERTROPHIC MYOCARDIOPATHY. Identifiers: Orphanet 217569, MedGen C0007194, MeSH D002312, MONDO:0005045, HP:0001639.

Submission:

All of Us Research Program, National Institutes of Health
Classification: Uncertain significance for Hypertrophic cardiomyopathy. Last evaluated: 2023-06-08. Review status: criteria provided, single submitter. Criteria: ACMG Guidelines, 2015. Collection method: clinical testing. Allele origin: germline. Inheritance: Autosomal dominant inheritance. Observed: 1 variant allele, 1 heterozygote.
Comment: This missense variant replaces alanine with threonine at codon 126 of the TNNI3 protein. Computational prediction is inconclusive regarding the impact of this variant on protein structure and function (internally defined REVEL score threshold 0.5 < inconclusive < 0.7, PMID: 27666373). To our knowledge, functional studies have not been reported for this variant. This variant has not been reported in individuals affected with TNNI3-related disorders in the literature. This variant has not been identified in the general population by the Genome Aggregation Database (gnomAD). The available evidence is insufficient to determine the role of this variant in disease conclusively. Therefore, this variant is classified as a Variant of Uncertain Significance.

This study involves interpretation of variants in research participants for the purpose of population health screening. Participant phenotype was not available at the time of variant classification. Additional details can be found in publication PMID: 35346344, PMCID: PMC8962531

NM_000363.5(TNNI3):c.376G>A (p.Ala126Thr)

Gene: TNNI3 (troponin I3, cardiac type; minus strand). Cytogenetic location: 19q13.42.
Variant type: single nucleotide variant.
Coding change: c.376G>A on transcript NM_000363.5 (MANE Select); coding-DNA position 376, G replaced by A.
Protein change: p.Ala126Thr; replaces alanine 126 with threonine.
Molecular consequence: missense variant.
Genome position (GRCh38, 1-based): chr19:55,154,203, C>T on the plus strand (G>A on the coding strand, the complement: TNNI3 is on the minus strand). VCF-style: chr19-55154203-C-T. GRCh37 (hg19) VCF-style: chr19-55665571-C-T.
Other names: short protein forms A126T.
Identifiers: ClinVar variation 3071592 (VCV003071592.1), dbSNP rs2515498642, ClinGen allele CA407440808.